The following is an entry in ClinVar:

NM_012452.3(TNFRSF13B):c.566G>T (p.Arg189Met)

Gene: TNFRSF13B (TNF receptor superfamily member 13B; minus strand). Cytogenetic location: 17p11.2.
Variant type: single nucleotide variant.
Coding change: c.566G>T on transcript NM_012452.3 (MANE Select); coding-DNA position 566, G replaced by T.
Protein change: p.Arg189Met; replaces arginine 189 with methionine.
Molecular consequence: missense variant.
Genome position (GRCh38, 1-based): chr17:16,940,391, C>A on the plus strand (G>T on the coding strand, the complement: TNFRSF13B is on the minus strand). VCF-style: chr17-16940391-C-A. GRCh37 (hg19) VCF-style: chr17-16843705-C-A.
Other names: short protein forms R189M.
Identifiers: ClinVar variation 471369 (VCV000471369.6), dbSNP rs199777698, ClinGen allele CA8413949.

ClinVar aggregate classification (germline): Uncertain significance. Review status: criteria provided, multiple submitters, no conflicts (2 of 4 stars). 2 submissions from 2 submitters: Uncertain significance (2). Last evaluated 2026-08-31.

Conditions:
Inborn genetic diseases. Identifiers: MedGen C0950123, MeSH D030342.
Immunodeficiency, common variable, 2 (CVID2). Also called: HYPOGAMMAGLOBULINEMIA DUE TO TACI DEFICIENCY; ANTIBODY DEFICIENCY DUE TO TACI DEFECT. Identifiers: Orphanet 1572, MedGen C3150354, MONDO:0009413, OMIM 240500.

Allele frequency attached by ClinVar (database versions not stated): gnomAD 0.00003; TOPMed 0.00005.
gnomAD v4.1: 69 of 1,613,972 alleles (0.0043%); highest among the groups gnomAD compares: Admixed American, 0.0067%; no homozygotes.

Submissions (2):

Ambry Genetics
Classification: Uncertain significance for Inborn genetic diseases. Last evaluated: 2026-08-31. Review status: criteria provided, single submitter. Criteria: Ambry Variant Classification Scheme 2023. Collection method: clinical testing. Allele origin: germline.
Comment: The c.566G>T (p.R189M) alteration is located in exon 4 (coding exon 4) of the TNFRSF13B gene. This alteration results from a G to T substitution at nucleotide position 566, causing the arginine (R) at amino acid position 189 to be replaced by a methionine (M). Based on data from gnomAD, the T allele has an overall frequency of 0.002% (5/282122) total alleles studied. The highest observed frequency was 0.014% (1/7216) of Other alleles. This nucleotide position is not well conserved in available vertebrate species. The in silico prediction for this alteration is inconclusive. Based on insufficient or conflicting evidence, the clinical significance of this alteration remains unclear.

Labcorp Genetics (formerly Invitae), Labcorp
Classification: Uncertain significance for Immunodeficiency, common variable, 2. Last evaluated: 2022-07-13. Review status: criteria provided, single submitter. Criteria: Invitae Variant Classification Sherloc (09022015). Collection method: clinical testing. Allele origin: germline.
Comment: This sequence change replaces arginine, which is basic and polar, with methionine, which is neutral and non-polar, at codon 189 of the TNFRSF13B protein (p.Arg189Met). This variant is present in population databases (rs199777698, gnomAD 0.003%). This variant has not been reported in the literature in individuals affected with TNFRSF13B-related conditions. ClinVar contains an entry for this variant (Variation ID: 471369). Algorithms developed to predict the effect of missense changes on protein structure and function are either unavailable or do not agree on the potential impact of this missense change (SIFT: "Deleterious"; PolyPhen-2: "Probably Damaging"; Align-GVGD: "Class C0"). In summary, the available evidence is currently insufficient to determine the role of this variant in disease. Therefore, it has been classified as a Variant of Uncertain Significance.

Literature cited by the submitters: PubMed 34283811 (cited by Ambry Genetics).